The following is an entry in ClinVar:

NM_000212.3(ITGB3):c.2080C>T (p.Gln694Ter)

Gene: ITGB3 (integrin subunit beta 3; plus strand). Cytogenetic location: 17q21.32.
Variant type: single nucleotide variant.
Coding change: c.2080C>T on transcript NM_000212.3 (MANE Select); coding-DNA position 2080, C replaced by T.
Protein change: p.Gln694Ter; replaces glutamine 694 with a stop codon.
Molecular consequence: nonsense.
Genome position (GRCh38, 1-based): chr17:47,302,786, C>T. VCF-style: chr17-47302786-C-T. GRCh37 (hg19) VCF-style: chr17-45380152-C-T.
Other names: short protein forms Q694*.
Identifiers: ClinVar variation 1210208 (VCV001210208.4), dbSNP rs2143138190, ClinGen allele CA400033218.

ClinVar aggregate classification (germline): Pathogenic. Review status: reviewed by expert panel (3 of 4 stars). 2 submissions from 2 submitters: Pathogenic (1). 1 of the submissions does not count toward it. Last evaluated 2021-05-07.

Conditions:
Glanzmann thrombasthenia. Also called: BLEEDING DISORDER, PLATELET-TYPE, 2; THROMBASTHENIA OF GLANZMANN AND NAEGELI; PLATELET GLYCOPROTEIN IIb-IIIa DEFICIENCY; Thrombasthenia; Glanzmann's thrombasthenia. Identifiers: Orphanet 849, MedGen C0040015, MONDO:0100326.

Allele frequency attached by ClinVar (database versions not stated): gnomAD exomes below 0.00001.
gnomAD v4.1: 2 of 1,614,004 alleles (0.00012%); highest among the groups gnomAD compares: Non-Finnish European, 0.00017%; no homozygotes.

Submissions (2):

ClinGen Platelet Disorders Variant Curation Expert Panel, ClinGen
Classification: Pathogenic for Glanzmann thrombasthenia. Last evaluated: 2021-05-07. Review status: reviewed by expert panel. Criteria: ClinGen Platelet ACMG Specifications v2. Collection method: curation. Allele origin: germline. Inheritance: Autosomal recessive inheritance.
Comment: The ITGB3 nonsense variant NM_000212.3:c.2080C>T (p.Gln694Ter) is expected to introduce a premature termination codon and the resulting mRNA product is predicted to undergo nonsense mediated decay, leading to loss of normal protein function. This variant has been observed in homozygosity in one individual with a phenotype specific for Glanzmann's thrombasthenia (GT) (Patient O, PMID: 26096001). Furthermore, this variant is absent from population databases. In summary, this variant meets criteria to be classified as pathogenic for GT. GT-specific criteria applied: PVS1, PM2_supporting, PM3_supporting, PP4_moderate.

Labcorp Genetics (formerly Invitae), Labcorp
Classification: Pathogenic. Last evaluated: 2023-09-06. Review status: criteria provided, single submitter. Criteria: Invitae Variant Classification Sherloc (09022015). Collection method: clinical testing. Allele origin: germline. Not counted in ClinVar's aggregate classification.
Comment: This variant is not present in population databases (gnomAD no frequency). For these reasons, this variant has been classified as Pathogenic. ClinVar contains an entry for this variant (Variation ID: 1210208). This premature translational stop signal has been observed in individual(s) with Glanzmann thrombasthenia (PMID: 26096001). This sequence change creates a premature translational stop signal (p.Gln694*) in the ITGB3 gene. It is expected to result in an absent or disrupted protein product. Loss-of-function variants in ITGB3 are known to be pathogenic (PMID: 21917754).

Literature cited by the submitters: PubMed 26096001 (cited by Labcorp Genetics (formerly Invitae), Labcorp); PubMed 21917754 (cited by Labcorp Genetics (formerly Invitae), Labcorp).